The following is an entry in ClinVar:

NM_000218.3(KCNQ1):c.781G>C (p.Glu261Gln)

Gene: KCNQ1 (potassium voltage-gated channel subfamily Q member 1; plus strand). Cytogenetic location: 11p15.5.
Variant type: single nucleotide variant.
Coding change: c.781G>C on transcript NM_000218.3 (MANE Select); coding-DNA position 781, G replaced by C.
Protein change: p.Glu261Gln; replaces glutamic acid 261 with glutamine.
Molecular consequence: missense variant.
Genome position (GRCh38, 1-based): chr11:2,572,846, G>C. VCF-style: chr11-2572846-G-C. GRCh37 (hg19) VCF-style: chr11-2594076-G-C.
Other names: c.781G>C (LRG_287t1); c.781G>C, p.Glu261Gln (NM_001406836.1); c.511G>C, p.Glu171Gln (NM_001406837.1); c.400G>C, p.Glu134Gln (NM_181798.2); short protein forms E261Q, E134Q, E171Q.
Identifiers: ClinVar variation 67106 (VCV000067106.4), dbSNP rs199472722, ClinGen allele CA008221.

ClinVar aggregate classification (germline): Likely pathogenic. Review status: criteria provided, single submitter (1 of 4 stars). 2 submissions from 2 submitters: Likely pathogenic (1). 1 of the submissions does not count toward it. Last evaluated 2016-09-19.

Conditions:
Familial long QT syndrome (RWS). Also called: Congenital long QT syndrome; Romano-Ward syndrome; VENTRICULAR FIBRILLATION WITH PROLONGED QT INTERVAL. Identifiers: Orphanet 768, MedGen C1141890, MONDO:0019171.

Submissions (2):

GeneDx
Classification: Likely pathogenic. Last evaluated: 2016-09-19. Review status: criteria provided, single submitter. Criteria: GeneDx Variant Classification (06012015). Collection method: clinical testing. Allele origin: germline. Affected: yes.
Comment: The E261Q likely pathogenic variant in the KCNQ1 gene has been reported in one individual referred for LQTS testing (Kapplinger et al., 2009); however, additional clinical information and functional studies were not included. The E261Q variant was not observed in approximately 6,500 individuals of European and African American ancestry in the NHLBI Exome Sequencing Project, indicating it is not a common benign variant in these populations. The E261Q variant is a semi-conservative amino acid substitution, which may impact secondary protein structure as these residues differ in some properties. This substitution occurs at a position that is conserved across most species. In silico analysis predicts this variant is probably damaging to the protein structure/function. Finally, this variant lacks observation in a significant number of affected individuals, segregation data, and functional evidence, which would further clarify its pathogenicity.

Cardiovascular Biomedical Research Unit, Royal Brompton & Harefield NHS Foundation Trust
No classification provided. Condition: Familial long QT syndrome. Review status: no classification provided. Collection method: literature only. Allele origin: germline. Not counted in ClinVar's aggregate classification.
Comment: This variant has been reported as associated with Long QT syndrome in the following publications (PMID:19716085). This is a literature report, and does not necessarily reflect the clinical interpretation of the Imperial College / Royal Brompton Cardiovascular Genetics laboratory.

Literature cited by the submitters: PubMed 19716085 (cited by Cardiovascular Biomedical Research Unit, Royal Brompton & Harefield NHS Foundation Trust); PubMed 22581653 (cited by Cardiovascular Biomedical Research Unit, Royal Brompton & Harefield NHS Foundation Trust).